The following is an entry in ClinVar:

NM_015046.7(SETX):c.4979A>G (p.His1660Arg)

Gene: SETX (senataxin; minus strand). Cytogenetic location: 9q34.13.
Variant type: single nucleotide variant.
Coding change: c.4979A>G on transcript NM_015046.7 (MANE Select); coding-DNA position 4979, A replaced by G.
Protein change: p.His1660Arg; replaces histidine 1660 with arginine.
Molecular consequence: missense variant.
Genome position (GRCh38, 1-based): chr9:132,326,619, T>C on the plus strand (A>G on the coding strand, the complement: SETX is on the minus strand). VCF-style: chr9-132326619-T-C. GRCh37 (hg19) VCF-style: chr9-135202006-T-C.
Other names: c.4979A>G, p.His1660Arg (NM_001351527.2, NM_001351528.2); short protein forms H1660R.
Identifiers: ClinVar variation 536377 (VCV000536377.16), dbSNP rs371894414, ClinGen allele CA5297100.

ClinVar aggregate classification (germline): Conflicting classifications of pathogenicity. Review status: criteria provided, conflicting classifications (1 of 4 stars). 7 submissions from 6 submitters: Uncertain significance (6); Benign (1). Last evaluated 2026-03-17.

Conditions:
Inborn genetic diseases. Identifiers: MedGen C0950123, MeSH D030342.
Amyotrophic lateral sclerosis type 4 (ALS4). Also called: AMYOTROPHIC LATERAL SCLEROSIS 4, JUVENILE; NEURONOPATHY, DISTAL HEREDITARY MOTOR, WITH PYRAMIDAL FEATURES. Identifiers: Orphanet 357043, MedGen C1865409, MONDO:0011223, OMIM 602433.
Spinocerebellar ataxia, autosomal recessive, with axonal neuropathy 2 (SCAN2). Also called: ATAXIA-OCULOMOTOR APRAXIA 2; Ataxia with Oculomotor Apraxia Type 2; Ataxia with Oculomotor Apraxia; Ataxia-ocular apraxia-2. Identifiers: Orphanet 64753, MedGen C1853761, MONDO:0018996, OMIM 606002.
Hereditary spastic paraplegia. Also called: Familial spastic paraparesis. Identifiers: Orphanet 685, MedGen C0037773, MONDO:0019064. Disease mechanism: loss of function.

Allele frequency attached by ClinVar (database versions not stated): ESP Exome Variant Server 0.00008; ExAC 0.00003; gnomAD exomes 0.00003 and 0.00005; gnomAD 0.00004 and 0.00005; TOPMed 0.00006.
gnomAD v4.1: 77 of 1,614,104 alleles (0.0048%); highest among the groups gnomAD compares: Non-Finnish European, 0.0064%; no homozygotes.

Submissions (7):

Women's Health and Genetics/Laboratory Corporation of America, LabCorp
Classification: Uncertain significance. Last evaluated: 2026-03-17. Review status: criteria provided, single submitter. Criteria: LabCorp Variant Classification Summary - May 2015. Collection method: clinical testing. Allele origin: germline.
Comment: Variant summary: SETX c.4979A>G (p.His1660Arg) results in a non-conservative amino acid change in the encoded protein sequence. Algorithms developed to predict the effect of missense changes on protein structure and function are either unavailable or do not agree on the potential impact of this missense change. The variant allele was found at a frequency of 3.2e-05 in 251446 control chromosomes. The available data on variant occurrences in the general population are insufficient to allow any conclusion about variant significance. c.4979A>G has been observed in one individual affected with amyotrophic lateral sclerosis (Mller_2018). These report(s) do not provide unequivocal conclusions about association of the variant with Spinocerebellar ataxia, autosomal recessive, with axonal neuropathy 2. To our knowledge, no experimental evidence demonstrating an impact on protein function has been reported. The following publication have been ascertained in the context of this evaluation (PMID: 29650794). ClinVar contains an entry for this variant (Variation ID: 536377). Based on the evidence outlined above, the variant was classified as uncertain significance.

Labcorp Genetics (formerly Invitae), Labcorp
Classification: Benign for Amyotrophic lateral sclerosis type 4; Spinocerebellar ataxia, autosomal recessive, with axonal neuropathy 2. Last evaluated: 2025-11-12. Review status: criteria provided, single submitter. Criteria: Invitae Variant Classification Sherloc (09022015). Collection method: clinical testing. Allele origin: germline.

Genome-Nilou Lab
Classification: Uncertain significance for Spinocerebellar ataxia, autosomal recessive, with axonal neuropathy 2. Last evaluated: 2023-02-08. Review status: criteria provided, single submitter. Criteria: ACMG Guidelines, 2015. Collection method: clinical testing. Allele origin: germline.

Genome-Nilou Lab
Classification: Uncertain significance for Amyotrophic lateral sclerosis type 4. Last evaluated: 2023-02-08. Review status: criteria provided, single submitter. Criteria: ACMG Guidelines, 2015. Collection method: clinical testing. Allele origin: germline.

Athena Diagnostics
Classification: Uncertain significance. Last evaluated: 2021-12-07. Review status: criteria provided, single submitter. Criteria: Athena Diagnostics Criteria. Collection method: clinical testing. Allele origin: unknown.

Ambry Genetics
Classification: Uncertain significance for Inborn genetic diseases. Last evaluated: 2021-01-20. Review status: criteria provided, single submitter. Criteria: Ambry Variant Classification Scheme 2023. Collection method: clinical testing. Allele origin: germline.
Comment: The p.H1660R variant (also known as c.4979A>G), located in coding exon 8 of the SETX gene, results from an A to G substitution at nucleotide position 4979. The histidine at codon 1660 is replaced by arginine, an amino acid with highly similar properties. This amino acid position is not well conserved in available vertebrate species. This alteration has been reported in a heterozygous state in a single patient with familial amyotrophic lateral sclerosis (M&uuml;ller K et al. J Neurol Neurosurg Psychiatry, 2018 08;89:817-827). In addition, this alteration is predicted to be tolerated by in silico analysis. Based on the supporting evidence, this variant is unlikely to be causative of juvenile amyotrophic lateral sclerosis 4; however, its contribution to the development of spinocerebellar ataxia with axonal neuropathy 2 is uncertain.

Genome Diagnostics Laboratory, The Hospital for Sick Children
Classification: Uncertain significance for Hereditary spastic paraplegia. Last evaluated: 2017-01-31. Review status: criteria provided, single submitter. Criteria: ACMG Guidelines, 2015. Collection method: clinical testing. Allele origin: germline. Affected: yes.

Literature cited by the submitters: PubMed 29650794 (cited by 3 submitters).